The following is an entry in ClinVar:

NM_001378418.1(TCF20):c.2474G>A (p.Ser825Asn)

Gene: TCF20 (transcription factor 20; minus strand). Cytogenetic location: 22q13.2.
Variant type: single nucleotide variant.
Coding change: c.2474G>A on transcript NM_001378418.1 (MANE Select); coding-DNA position 2474, G replaced by A.
Protein change: p.Ser825Asn; replaces serine 825 with asparagine.
Molecular consequence: missense variant.
Genome position (GRCh38, 1-based): chr22:42,212,832, C>T on the plus strand (G>A on the coding strand, the complement: TCF20 is on the minus strand). VCF-style: chr22-42212832-C-T. GRCh37 (hg19) VCF-style: chr22-42608838-C-T.
Other names: c.2474G>A, p.Ser825Asn (NM_005650.4, NM_181492.3); short protein forms S825N.
Identifiers: ClinVar variation 4536766 (VCV004536766.1).

ClinVar aggregate classification (germline): Uncertain significance (1 of 4 stars; one submission).

gnomAD v4.1: 2 of 1,614,192 alleles (0.00012%); highest among the groups gnomAD compares: Non-Finnish European, 0.00017%; no homozygotes.

Submission:

Women's Health and Genetics/Laboratory Corporation of America, LabCorp
Classification: Uncertain significance. Last evaluated: 2025-11-12. Review status: criteria provided, single submitter. Criteria: LabCorp Variant Classification Summary - May 2015. Collection method: clinical testing. Allele origin: germline.
Comment: Variant summary: TCF20 c.2474G>A (p.Ser825Asn) results in a conservative amino acid change in the encoded protein sequence. Algorithms developed to predict the effect of missense changes on protein structure and function are either unavailable or do not agree on the potential impact of this missense change. The variant was absent in 251466 control chromosomes. The available data on variant occurrences in the general population are insufficient to allow any conclusion about variant significance. To our knowledge, no occurrence of c.2474G>A in individuals affected with TCF20-related conditions and no experimental evidence demonstrating its impact on protein function have been reported. No submitters have cited clinical-significance assessments for this variant to ClinVar. Based on the evidence outlined above, the variant was classified as uncertain significance.